The following is an entry in ClinVar:

NM_001374385.1(ATP8B1):c.3118G>A (p.Gly1040Arg)

Genes: ATP8B1 (ATPase phospholipid transporting 8B1; minus strand), ATP8B1-AS1 (ATP8B1 antisense RNA 1; plus strand). Cytogenetic location: 18q21.31.
Variant type: single nucleotide variant.
Coding change: c.3118G>A on transcript NM_001374385.1 (MANE Select); coding-DNA position 3118, G replaced by A.
Protein change: p.Gly1040Arg; replaces glycine 1040 with arginine.
Molecular consequence: missense variant.
Genome position (GRCh38, 1-based): chr18:57,652,627, C>T on the plus strand (G>A on the coding strand, the complement: ATP8B1 is on the minus strand). VCF-style: chr18-57652627-C-T. GRCh37 (hg19) VCF-style: chr18-55319859-C-T.
Other names: c.2968G>A, p.Gly990Arg (NM_001374386.1); c.3118G>A, p.Gly1040Arg (NM_005603.6); short protein forms G1040R, G990R.
Identifiers: ClinVar variation 2436211 (VCV002436211.7), dbSNP rs1438249656, ClinGen allele CA402544349.

ClinVar aggregate classification (germline): Conflicting classifications of pathogenicity. Review status: criteria provided, conflicting classifications (1 of 4 stars). 3 submissions from 3 submitters: Likely pathogenic (1); Uncertain significance (2). Last evaluated 2026-04-14.

Conditions:
Familial intrahepatic cholestasis. Identifiers: Orphanet 284385, MedGen CN296401, MONDO:0017290.

Allele frequency attached by ClinVar (database versions not stated): TOPMed below 0.00001.

Submissions (3):

Genomenon, Inc
Classification: Uncertain significance for Familial intrahepatic cholestasis. Last evaluated: 2026-04-14. Review status: criteria provided, single submitter. Criteria: Genomenon Sequence Variant Interpretation Standards - Updated. Collection method: curation. Allele origin: germline. Affected: yes.
Comment: ATP8B1 p.Gly1040Arg (c.3118G>A) is a missense variant that changes the amino acid at residue 1040 from Glycine to Arginine. This variant has been observed in at least one proband with features of ATP8B1-deficiency (PMID:15239083). At least one functional study has demonstrated a substantial alteration in protein function relative to the wild-type (PMID:19918981). It is absent or not present at a significant frequency in gnomAD. In silico models predict that this variant is possibly or probably damaging. In conclusion, we classify ATP8B1 p.Gly1040Arg (c.3118G>A) as a variant of uncertain significance.

Labcorp Genetics (formerly Invitae), Labcorp
Classification: Uncertain significance. Last evaluated: 2024-12-16. Review status: criteria provided, single submitter. Criteria: Invitae Variant Classification Sherloc (09022015). Collection method: clinical testing. Allele origin: germline.
Comment: This sequence change replaces glycine, which is neutral and non-polar, with arginine, which is basic and polar, at codon 1040 of the ATP8B1 protein (p.Gly1040Arg). This variant is not present in population databases (gnomAD no frequency). This missense change has been observed in individuals with progressive familial intrahepatic cholestasis (PMID: 15239083). ClinVar contains an entry for this variant (Variation ID: 2436211). Invitae Evidence Modeling of protein sequence and biophysical properties (such as structural, functional, and spatial information, amino acid conservation, physicochemical variation, residue mobility, and thermodynamic stability) indicates that this missense variant is expected to disrupt ATP8B1 protein function with a positive predictive value of 80%. Experimental studies have shown that this missense change affects ATP8B1 function (PMID: 19731236, 19918981). In summary, the available evidence is currently insufficient to determine the role of this variant in disease. Therefore, it has been classified as a Variant of Uncertain Significance.

Revvity Omics, Revvity
Classification: Likely pathogenic. Last evaluated: 2022-12-06. Review status: criteria provided, single submitter. Criteria: ACMG Guidelines, 2015. Collection method: clinical testing. Allele origin: germline.

Literature cited by the submitters: PubMed 15239083 (cited by Genomenon, Inc and Labcorp Genetics (formerly Invitae), Labcorp); PubMed 19918981 (cited by Genomenon, Inc and Labcorp Genetics (formerly Invitae), Labcorp); PubMed 19731236 (cited by Labcorp Genetics (formerly Invitae), Labcorp).